The following is an entry in ClinVar:

ClinVar aggregate classification (germline): Uncertain significance. Review status: criteria provided, multiple submitters, no conflicts (2 of 4 stars). 2 submissions from 2 submitters: Uncertain significance (2). Last evaluated 2026-04-14.

Conditions:
Familial intrahepatic cholestasis. Identifiers: Orphanet 284385, MedGen CN296401, MONDO:0017290.

Allele frequency attached by ClinVar (database versions not stated): gnomAD exomes 0.00001.
gnomAD v4.1: 11 of 1,613,382 alleles (0.00068%); highest among the groups gnomAD compares: Non-Finnish European, 0.00085%; no homozygotes.

Submissions (2):

Genomenon, Inc
Classification: Uncertain significance for Familial intrahepatic cholestasis. Last evaluated: 2026-04-14. Review status: criteria provided, single submitter. Criteria: Genomenon Sequence Variant Interpretation Standards - Updated. Collection method: curation. Allele origin: germline. Affected: yes.
Comment: ATP8B1 p.Asp688Gly (c.2063A>G) is a missense variant that changes the amino acid at residue 688 from Aspartic acid to Glycine. This variant has been observed in at least one proband with features of ATP8B1-deficiency (PMID:15239083). It is absent or not present at a significant frequency in gnomAD. In silico models predict that this variant is possibly or probably damaging. In conclusion, we classify ATP8B1 p.Asp688Gly (c.2063A>G) as a variant of uncertain significance.

Women's Health and Genetics/Laboratory Corporation of America, LabCorp
Classification: Uncertain significance. Last evaluated: 2024-04-25. Review status: criteria provided, single submitter. Criteria: LabCorp Variant Classification Summary - May 2015. Collection method: clinical testing. Allele origin: germline.
Comment: Variant summary: ATP8B1 c.2063A>G (p.Asp688Gly) results in a non-conservative amino acid change in the encoded protein sequence. Four of five in-silico tools predict a damaging effect of the variant on protein function. The variant allele was found at a frequency of 4e-06 in 250542 control chromosomes (gnomAD). The available data on variant occurrences in the general population are insufficient to allow any conclusion about variant significance. c.2063A>G has been reported in the literature in an individual affected with Familial Intrahepatic Cholestasis (Klomp_2004). These data do not allow any conclusion about variant significance. To our knowledge, no experimental evidence demonstrating an impact on protein function has been reported. The following publication has been ascertained in the context of this evaluation (PMID: 15239083). No submitters have cited clinical-significance assessments for this variant to ClinVar. Based on the evidence outlined above, the variant was classified as uncertain significance.

Literature cited by the submitters: PubMed 15239083 (cited by Genomenon, Inc and Women's Health and Genetics/Laboratory Corporation of America, LabCorp).

NM_001374385.1(ATP8B1):c.2063A>G (p.Asp688Gly)

Gene: ATP8B1 (ATPase phospholipid transporting 8B1; minus strand). Cytogenetic location: 18q21.31.
Variant type: single nucleotide variant.
Coding change: c.2063A>G on transcript NM_001374385.1 (MANE Select); coding-DNA position 2063, A replaced by G.
Protein change: p.Asp688Gly; replaces aspartic acid 688 with glycine.
Molecular consequence: missense variant.
Genome position (GRCh38, 1-based): chr18:57,669,352, T>C on the plus strand (A>G on the coding strand, the complement: ATP8B1 is on the minus strand). VCF-style: chr18-57669352-T-C. GRCh37 (hg19) VCF-style: chr18-55336584-T-C.
Other names: c.1913A>G, p.Asp638Gly (NM_001374386.1); c.2063A>G, p.Asp688Gly (NM_005603.6); short protein forms D638G, D688G.
Identifiers: ClinVar variation 3251681 (VCV003251681.2), dbSNP rs1337978497.